The following is an entry in ClinVar:

NM_006618.5(KDM5B):c.1834C>T (p.Arg612Ter)

Gene: KDM5B (lysine demethylase 5B; minus strand). Cytogenetic location: 1q32.1.
Variant type: single nucleotide variant.
Coding change: c.1834C>T on transcript NM_006618.5 (MANE Select); coding-DNA position 1834, C replaced by T.
Protein change: p.Arg612Ter; replaces arginine 612 with a stop codon.
Molecular consequence: nonsense.
Genome position (GRCh38, 1-based): chr1:202,749,127, G>A on the plus strand (C>T on the coding strand, the complement: KDM5B is on the minus strand). VCF-style: chr1-202749127-G-A. GRCh37 (hg19) VCF-style: chr1-202718255-G-A.
Other names: c.1834C>T (NM_006618.3); c.1942C>T, p.Arg648Ter (NM_001314042.2); c.1699C>T, p.Arg567Ter (NM_001347591.2); c.1819C>T, p.Arg607Ter (NM_001399817.1); short protein forms R567*, R612*, R648*, R607*.
Identifiers: ClinVar variation 1343255 (VCV001343255.6), dbSNP rs777362026, ClinGen allele CA1334601.
Genomic context (GRCh38, chr1:202,749,127, plus strand): 5'-TCTCATCGTGGGAAAACACACAATATCGATGAAGCAAGCGATAATGCTCCACACACTGTC[G>A]GCCTAATGGCAGCTGTATCAAAACACGGAAAGAAAAAAATAACATTCATCTTTCTTCTAT-3'

ClinVar aggregate classification (germline): Conflicting classifications of pathogenicity. Review status: criteria provided, conflicting classifications (1 of 4 stars). 4 submissions from 4 submitters: Pathogenic (2); Likely pathogenic (1); Uncertain significance (1). Last evaluated 2025-02-06.

Conditions:
Intellectual developmental disorder, autosomal recessive 65. Also called: Intellectual disability, autosomal recessive 65; MENTAL RETARDATION, AUTOSOMAL RECESSIVE 65. Identifiers: MedGen C4748219, MONDO:0020850, OMIM 618109.

Allele frequency attached by ClinVar (database versions not stated): gnomAD exomes below 0.00001 and 0.00001; ExAC 0.00002; gnomAD 0.00002; TOPMed below 0.00001.
gnomAD v4.1: 8 of 1,599,886 alleles (0.0005%); highest among the groups gnomAD compares: Non-Finnish European, 0.0006%; no homozygotes.

Submissions (4):

Clinical Genetics Laboratory, University Hospital Schleswig-Holstein
Classification: Pathogenic for Intellectual developmental disorder, autosomal recessive 65. Last evaluated: 2025-02-06. Review status: criteria provided, single submitter. Criteria: ACMG Guidelines, 2015. Collection method: clinical testing. Allele origin: maternal. Affected: yes. Observed: 2 heterozygotes.
Comment: ACMG criteria applied: PM2, PVS1

GeneDx
Classification: Pathogenic. Last evaluated: 2024-06-24. Review status: criteria provided, single submitter. Criteria: GeneDx Variant Classification Process June 2021. Collection method: clinical testing. Allele origin: germline. Affected: yes.
Comment: Reported in individuals with autism in published literature; however, detailed clinical and segregation information was not provided (PMID: 34312540); Nonsense variant predicted to result in protein truncation or nonsense mediated decay in a gene for which loss of function is a known mechanism of disease; This variant is associated with the following publications: (PMID: 34312540)

Pittsburgh Clinical Genomics Laboratory, University of Pittsburgh Medical Center
Classification: Likely pathogenic for Intellectual developmental disorder, autosomal recessive 65. Last evaluated: 2024-06-07. Review status: criteria provided, single submitter. Criteria: ACMG Guidelines, 2015. Collection method: clinical testing. Allele origin: germline. Inheritance: Autosomal recessive inheritance. Affected: yes.
Comment: This sequence variant is a single nucleotide substitution (C>T) at position 1834 of the coding sequence of the KDM5B gene that changes the Arg612 codon to an early stop codon. As it occurs in exon 14 of 27, this variant is predicted to generate a non-functional allele through either the expression of a truncated protein or a loss of KDM5B-encoded lysine demethylase 5B expression due to nonsense-mediated decay. This is a previously reported variant (ClinVar 1343255) that has not been observed in the literature in individuals affected by KDM5B-related disorder, to our knowledge. This variant is present in 8 of 1599886 alleles (0.0005%) in the gnomAD v4.1.0 population dataset. Studies examining the functional consequence of this variant have not been published, to our knowledge. Based upon the evidence, we consider this variant to be likely pathogenic. ACMG Criteria: PM2, PVS1

Institute of Human Genetics, Clinical Exome/Genome Diagnostics Group, University Hospital Bonn
Classification: Uncertain significance. Last evaluated: 2021-08-11. Review status: criteria provided, single submitter. Criteria: ACMG Guidelines, 2015. Collection method: clinical testing. Allele origin: inherited. Affected: yes.

Literature cited by the submitters: PubMed 30409806 (cited by Clinical Genetics Laboratory, University Hospital Schleswig-Holstein).